The following is an entry in ClinVar:

ClinVar aggregate classification (germline): Uncertain significance. Review status: criteria provided, multiple submitters, no conflicts (2 of 4 stars). 2 submissions from 2 submitters: Uncertain significance (2). Last evaluated 2025-10-15.

gnomAD v4.1: 4 of 1,613,934 alleles (0.00025%); highest among the groups gnomAD compares: South Asian, 0.0022%; no homozygotes.

Submissions (2):

Labcorp Genetics (formerly Invitae), Labcorp
Classification: Uncertain significance. Last evaluated: 2025-10-15. Review status: criteria provided, single submitter. Criteria: Invitae Variant Classification Sherloc (09022015). Collection method: clinical testing. Allele origin: germline.
Comment: This sequence change replaces glycine, which is neutral and non-polar, with serine, which is neutral and polar, at codon 662 of the COL9A2 protein (p.Gly662Ser). This variant is present in population databases (no rsID available, gnomAD 0.003%). This variant has not been reported in the literature in individuals affected with COL9A2-related conditions. Invitae Evidence Modeling of protein sequence and biophysical properties (such as structural, functional, and spatial information, amino acid conservation, physicochemical variation, residue mobility, and thermodynamic stability) indicates that this missense variant is expected to disrupt COL9A2 protein function with a positive predictive value of 95%. In summary, the available evidence is currently insufficient to determine the role of this variant in disease. Therefore, it has been classified as a Variant of Uncertain Significance.

Blueprint Genetics
Classification: Uncertain significance. Last evaluated: 2021-10-08. Review status: criteria provided, single submitter. Criteria: ACMG Guidelines, 2015. Collection method: clinical testing. Allele origin: germline.

NM_001852.4(COL9A2):c.1984G>A (p.Gly662Ser)

Gene: COL9A2 (collagen type IX alpha 2 chain; minus strand). Cytogenetic location: 1p34.2.
Variant type: single nucleotide variant.
Coding change: c.1984G>A on transcript NM_001852.4 (MANE Select); coding-DNA position 1984, G replaced by A.
Protein change: p.Gly662Ser; replaces glycine 662 with serine.
Molecular consequence: missense variant.
Genome position (GRCh38, 1-based): chr1:40,301,268, C>T on the plus strand (G>A on the coding strand, the complement: COL9A2 is on the minus strand). VCF-style: chr1-40301268-C-T. GRCh37 (hg19) VCF-style: chr1-40766940-C-T.
Other names: short protein forms G662S.
Identifiers: ClinVar variation 4703553 (VCV004703553.2).